The following is an entry in ClinVar:

ClinVar aggregate classification (germline): Uncertain significance (1 of 4 stars; one submission).

Conditions:
Combined oxidative phosphorylation defect type 17. Also called: Combined oxidative phosphorylation deficiency 17. Identifiers: Orphanet 369913, MedGen C3809526, MONDO:0014190, OMIM 615440.

Allele frequency attached by ClinVar (database versions not stated): gnomAD exomes below 0.00001.

Submission:

Labcorp Genetics (formerly Invitae), Labcorp
Classification: Uncertain significance for Combined oxidative phosphorylation defect type 17. Last evaluated: 2021-08-14. Review status: criteria provided, single submitter. Criteria: Invitae Variant Classification Sherloc (09022015). Collection method: clinical testing. Allele origin: germline.
Comment: This variant has not been reported in the literature in individuals affected with ELAC2-related conditions. This variant is not present in population databases (ExAC no frequency). This sequence change replaces aspartic acid with asparagine at codon 633 of the ELAC2 protein (p.Asp633Asn). The aspartic acid residue is moderately conserved and there is a small physicochemical difference between aspartic acid and asparagine. Algorithms developed to predict the effect of missense changes on protein structure and function (SIFT, PolyPhen-2, Align-GVGD) all suggest that this variant is likely to be tolerated. In summary, the available evidence is currently insufficient to determine the role of this variant in disease. Therefore, it has been classified as a Variant of Uncertain Significance.

NM_018127.7(ELAC2):c.1897G>A (p.Asp633Asn)

Gene: ELAC2 (elaC ribonuclease Z 2; minus strand). Cytogenetic location: 17p12.
Variant type: single nucleotide variant.
Coding change: c.1897G>A on transcript NM_018127.7 (MANE Select); coding-DNA position 1897, G replaced by A.
Protein change: p.Asp633Asn; replaces aspartic acid 633 with asparagine.
Molecular consequence: missense variant.
Genome position (GRCh38, 1-based): chr17:12,994,974, C>T on the plus strand (G>A on the coding strand, the complement: ELAC2 is on the minus strand). VCF-style: chr17-12994974-C-T. GRCh37 (hg19) VCF-style: chr17-12898291-C-T.
Other names: c.1777G>A, p.Asp593Asn (NM_001165962.2); c.1894G>A, p.Asp632Asn (NM_173717.2); short protein forms D632N, D633N, D593N.
Identifiers: ClinVar variation 1512620 (VCV001512620.6), dbSNP rs2143556453, ClinGen allele CA398223283.